The following is an entry in ClinVar:

ClinVar aggregate classification (germline): Likely pathogenic. Review status: criteria provided, multiple submitters, no conflicts (2 of 4 stars). 2 submissions from 2 submitters: Likely pathogenic (2). Last evaluated 2023-08-23.

Conditions:
Pyruvate dehydrogenase E3 deficiency (DLDD). Also called: MAPLE SYRUP URINE DISEASE, TYPE III; Dihydrolipoamide Dehydrogenase Deficiency; Dihydrolipoamide Dehydrogenase (E3) Deficiency; Lipoamide dehydrogenase deficiency, lactic acidosis due to; Lipoamide dehydrogenase deficiency; DLD DEFICIENCY. Identifiers: Orphanet 2394, Orphanet 765, MedGen C5574660, MONDO:0009529, OMIM 246900.

Allele frequency attached by ClinVar (database versions not stated): gnomAD exomes below 0.00001.
gnomAD v4.1: 1 of 1,531,004 alleles (0.000065%); highest among the groups gnomAD compares: Non-Finnish European, 0.000091%; no homozygotes.

Submissions (2):

Baylor Genetics
Classification: Likely pathogenic for Pyruvate dehydrogenase E3 deficiency. Last evaluated: 2023-08-23. Review status: criteria provided, single submitter. Criteria: ACMG Guidelines, 2015. Collection method: clinical testing. Allele origin: unknown.

Labcorp Genetics (formerly Invitae), Labcorp
Classification: Likely pathogenic for Pyruvate dehydrogenase E3 deficiency. Last evaluated: 2022-09-30. Review status: criteria provided, single submitter. Criteria: Invitae Variant Classification Sherloc (09022015). Collection method: clinical testing. Allele origin: germline.
Comment: In summary, the currently available evidence indicates that the variant is pathogenic, but additional data are needed to prove that conclusively. Therefore, this variant has been classified as Likely Pathogenic. Algorithms developed to predict the effect of sequence changes on RNA splicing suggest that this variant may disrupt the consensus splice site. ClinVar contains an entry for this variant (Variation ID: 968596). This variant has not been reported in the literature in individuals affected with DLD-related conditions. This variant is not present in population databases (gnomAD no frequency). This sequence change affects an acceptor splice site in intron 7 of the DLD gene. It is expected to disrupt RNA splicing. Variants that disrupt the donor or acceptor splice site typically lead to a loss of protein function (PMID: 16199547), and loss-of-function variants in DLD are known to be pathogenic (PMID: 8968745, 9934985).

Literature cited by the submitters: PubMed 16199547 (cited by Labcorp Genetics (formerly Invitae), Labcorp); PubMed 8968745 (cited by Labcorp Genetics (formerly Invitae), Labcorp); PubMed 9934985 (cited by Labcorp Genetics (formerly Invitae), Labcorp).

NM_000108.5(DLD):c.583-1G>C

Gene: DLD (dihydrolipoamide dehydrogenase; plus strand). Cytogenetic location: 7q31.1.
Variant type: single nucleotide variant.
Coding change: c.583-1G>C on transcript NM_000108.5 (MANE Select); the canonical splice acceptor site of the intron before coding-DNA position 583, G replaced by C.
Molecular consequence: splice acceptor variant.
Genome position (GRCh38, 1-based): chr7:107,906,266, G>C. VCF-style: chr7-107906266-G-C. GRCh37 (hg19) VCF-style: chr7-107546711-G-C.
Other names: c.439-1G>C (NM_001289752.1); c.514-1G>C (NM_001289751.1); c.286-1G>C (NM_001289750.1).
Identifiers: ClinVar variation 968596 (VCV000968596.9), dbSNP rs2032004082, ClinGen allele CA368855724.